The following is an entry in ClinVar:

ClinVar aggregate classification (germline): Uncertain significance (1 of 4 stars; one submission).

Allele frequency attached by ClinVar (database versions not stated): gnomAD 0.00003; ExAC 0.00005; TOPMed 0.00005; gnomAD exomes 0.00006.
gnomAD v4.1: 87 of 1,550,314 alleles (0.0056%); highest among the groups gnomAD compares: South Asian, 0.045%; no homozygotes.

Submission:

Ambry Genetics
Classification: Uncertain significance. Last evaluated: 2024-10-05. Review status: criteria provided, single submitter. Criteria: Ambry Variant Classification Scheme 2023. Collection method: clinical testing. Allele origin: germline.
Comment: The p.V1970M variant (also known as c.5908G>A), located in coding exon 23 of the WNK2 gene, results from a G to A substitution at nucleotide position 5908. The valine at codon 1970 is replaced by methionine, an amino acid with highly similar properties. This amino acid position is conserved. In addition, this alteration is predicted to be tolerated by in silico analysis. Based on the available evidence, the clinical significance of this variant remains unclear.

NM_006648.4(WNK2):c.5908G>A (p.Val1970Met)

Gene: WNK2 (WNK lysine deficient protein kinase 2; plus strand). Cytogenetic location: 9q22.31.
Variant type: single nucleotide variant.
Coding change: c.5908G>A on transcript NM_006648.4 (MANE Select); coding-DNA position 5908, G replaced by A.
Protein change: p.Val1970Met; replaces valine 1970 with methionine.
Molecular consequence: missense variant.
Genome position (GRCh38, 1-based): chr9:93,298,052, G>A. VCF-style: chr9-93298052-G-A. GRCh37 (hg19) VCF-style: chr9-96060334-G-A.
Other names: c.6019G>A, p.Val2007Met (NM_001282394.3); short protein forms V1970M, V2007M.
Identifiers: ClinVar variation 3190656 (VCV003190656.2), dbSNP rs760883114, ClinGen allele CA5130705.